The following is an entry in ClinVar:

NM_033118.4(MYLK2):c.173C>A (p.Ala58Asp)

Gene: MYLK2 (myosin light chain kinase 2; plus strand). Cytogenetic location: 20q11.21.
Variant type: single nucleotide variant.
Coding change: c.173C>A on transcript NM_033118.4 (MANE Select); coding-DNA position 173, C replaced by A.
Protein change: p.Ala58Asp; replaces alanine 58 with aspartic acid.
Molecular consequence: missense variant.
Genome position (GRCh38, 1-based): chr20:31,820,246, C>A. VCF-style: chr20-31820246-C-A. GRCh37 (hg19) VCF-style: chr20-30408049-C-A.
Other names: p.A58D:GCC>GAC; short protein forms A58D.
Identifiers: ClinVar variation 46522 (VCV000046522.29), dbSNP rs138130914, ClinGen allele CA138522.
Genomic context (GRCh38, chr20:31,820,246, plus strand): 5'-CCCCAGACCCAAAGAAAGCTCCGGATCCACCCACCCTGAAGAAAGATGCCAAAGCCCCTG[C>A]CTCAGAGAAAGGGGATGGTACCCTGGCCCAACCCTCAACTAGCAGCCAAGGCCCCAAAGG-3'
Protein context (NP_149109.1, residues 48-68): PTLKKDAKAP[Ala58Asp]SEKGDGTLAQ

ClinVar aggregate classification (germline): Conflicting classifications of pathogenicity. Review status: criteria provided, conflicting classifications (1 of 4 stars). 11 submissions from 11 submitters: Uncertain significance (1); Benign (4); Likely benign (4). 2 of the submissions do not count toward it. Last evaluated 2026-01-26.

Conditions:
Cardiomyopathy (CMYO). Also called: Cardiomyopathies. Identifiers: Orphanet 167848, MedGen C0878544, MONDO:0004994, HP:0001638. Inheritance: Various modes of inheritance.
Hypertrophic cardiomyopathy 1 (CMH1). Also called: MYH7-Related Familial Hypertrophic Cardiomyopathy; Familial hypertrophic cardiomyopathy 1. Identifiers: MedGen C3495498, MONDO:0008647, OMIM 192600.
Hypertrophic cardiomyopathy. Also called: HYPERTROPHIC MYOCARDIOPATHY. Identifiers: Orphanet 217569, MedGen C0007194, MeSH D002312, MONDO:0005045, HP:0001639.

Allele frequency attached by ClinVar (database versions not stated): gnomAD exomes 0.00069 and 0.00191; 1000 Genomes Project 0.00519; ESP Exome Variant Server 0.00092; gnomAD 0.00070 and 0.00097; TOPMed 0.00084; ExAC 0.00198; 1000 Genomes Project 30x 0.00437.

Submissions (11):

Labcorp Genetics (formerly Invitae), Labcorp
Classification: Benign for Hypertrophic cardiomyopathy 1. Last evaluated: 2026-01-26. Review status: criteria provided, single submitter. Criteria: Invitae Variant Classification Sherloc (09022015). Collection method: clinical testing. Allele origin: germline.

Women's Health and Genetics/Laboratory Corporation of America, LabCorp
Classification: Benign. Last evaluated: 2020-11-17. Review status: criteria provided, single submitter. Criteria: LabCorp Variant Classification Summary - May 2015. Collection method: clinical testing. Allele origin: germline.
Comment: Variant summary: MYLK2 c.173C>A (p.Ala58Asp) results in a non-conservative amino acid change in the encoded protein sequence. Four of five in-silico tools predict a benign effect of the variant on protein function. The variant allele was found at a frequency of 0.0019 in 250664 control chromosomes, predominantly at a frequency of 0.0097 within the South Asian subpopulation in the gnomAD database, including 3 homozygotes. The observed variant frequency within South Asian control individuals in the gnomAD database is approximately 390 fold of the estimated maximal expected allele frequency for a pathogenic variant in MYLK2 causing Hypertrophic Cardiomyopathy phenotype (2.5e-05), strongly suggesting that the variant is a benign polymorphism found primarily in populations of South Asian origin. To our knowledge, no occurrence of c.173C>A in individuals affected with Hypertrophic Cardiomyopathy and no experimental evidence demonstrating its impact on protein function have been reported. Five clinical diagnostic laboratories have submitted clinical-significance assessments for this variant to ClinVar after 2014 without evidence for independent evaluation. All laboratories classified the variant as benign (2x) / likely benign (3x). Based on the evidence outlined above, the variant was classified as benign.

GeneDx
Classification: Benign. Last evaluated: 2019-03-26. Review status: criteria provided, single submitter. Criteria: GeneDx Variant Classification Process June 2021. Collection method: clinical testing. Allele origin: germline. Affected: yes.
Comment: This variant is associated with the following publications: (PMID: 23861362)

CHEO Genetics Diagnostic Laboratory, Children's Hospital of Eastern Ontario
Classification: Benign for Cardiomyopathy. Last evaluated: 2018-06-28. Review status: criteria provided, single submitter. Criteria: ACMG Guidelines, 2015. Collection method: clinical testing. Allele origin: germline.

Center for Advanced Laboratory Medicine, UC San Diego Health, University of California San Diego
Classification: Likely benign for Cardiomyopathy. Last evaluated: 2017-04-04. Review status: criteria provided, single submitter. Criteria: ACMG Guidelines, 2015. Collection method: clinical testing. Allele origin: germline. Affected: yes. Observed: 1 variant allele.

Laboratory for Molecular Medicine, Mass General Brigham Personalized Medicine
Classification: Likely benign. Last evaluated: 2015-02-18. Review status: criteria provided, single submitter. Criteria: LMM Criteria. Collection method: clinical testing. Allele origin: germline. Observed: 6 variant alleles.
Comment: p.Ala58Asp in exon 3 of MYLK2: This variant is not expected to have clinical sig nificance because it has been identified in 0.9% (150/16508) of South Asian chro mosomes by the Exome Aggregation Consortium (ExAC, g; dbSNP rs138130914).

Stanford Center for Inherited Cardiovascular Disease, Stanford University
Classification: Uncertain significance. Last evaluated: 2014-10-15. Review status: criteria provided, single submitter. Criteria: ACMG Guidelines, 2015. Collection method: provider interpretation. Allele origin: germline.

Biesecker Lab/Clinical Genomics Section, National Institutes of Health
Classification: Likely benign. Last evaluated: 2013-06-24. Review status: criteria provided, single submitter. Criteria: Ng et al. (Circ Cardiovasc Genet. 2013). Collection method: research. Allele origin: unknown. Observed: 2 variant alleles. Study: ClinSeq.
Comment: The study set was not selected for affection status in relation to any cancer. Pathogenicity categories were based on literature curation. See Pubmed ID:23861362 for details.

Medical sequencing

Genetics and Genomics Program, Sidra Medicine
Classification: Likely benign for Hypertrophic cardiomyopathy. Review status: criteria provided, single submitter. Criteria: ACMG Guidelines, 2015. Collection method: research. Allele origin: unknown. Affected: yes. Observed: 1 variant allele.

Clinical Genetics DNA and cytogenetics Diagnostics Lab, Erasmus MC, Erasmus Medical Center
Classification: Likely benign. Review status: no assertion criteria provided. Collection method: clinical testing. Allele origin: germline. Affected: yes. Study: VKGL Data-share Consensus. Not counted in ClinVar's aggregate classification.

Diagnostic Laboratory, Department of Genetics, University Medical Center Groningen
Classification: Likely benign. Review status: no assertion criteria provided. Collection method: clinical testing. Allele origin: germline. Affected: yes. Study: VKGL Data-share Consensus. Not counted in ClinVar's aggregate classification.